The following is an entry in ClinVar:

NM_000264.5(PTCH1):c.337G>T (p.Ala113Ser)

Gene: PTCH1 (patched 1; minus strand). Cytogenetic location: 9q22.32.
Variant type: single nucleotide variant.
Coding change: c.337G>T on transcript NM_000264.5 (MANE Select); coding-DNA position 337, G replaced by T.
Protein change: p.Ala113Ser; replaces alanine 113 with serine.
Molecular consequence: missense variant. On other transcripts: 5 prime UTR variant (4), non-coding transcript variant (1).
Genome position (GRCh38, 1-based): chr9:95,506,464, C>A on the plus strand (G>T on the coding strand, the complement: PTCH1 is on the minus strand). VCF-style: chr9-95506464-C-A. GRCh37 (hg19) VCF-style: chr9-98268746-C-A.
Other names: c.139G>T, p.Ala47Ser (NM_001083602.3, NM_001354919.2); c.334G>T, p.Ala112Ser (NM_001083603.3); c.-117G>T (NM_001083604.3, NM_001083605.3, NM_001083606.3 and 1 more transcripts); c.337G>T, p.Ala113Ser (NM_001354918.2); short protein forms A112S, A113S, A47S.
Identifiers: ClinVar variation 1057231 (VCV001057231.13), dbSNP rs1843653911, ClinGen allele CA374120250.
Genomic context (GRCh38, chr9:95,506,464, plus strand): 5'-TACCTTCCACCCACAGCTCCTCCACGTTGGTCTCGAGGTTCGCTGCTTTTAATCCCACCG[C>A]GAAGGCCCCAAATATGAGGAGGCCCACAACCAAGAACTTGCCGCAGTTTTTTTGAATGTA-3'
Protein context (NP_000255.2, residues 103-123): VVGLLIFGAF[Ala113Ser]VGLKAANLET

ClinVar aggregate classification (germline): Uncertain significance (1 of 4 stars; one submission).

Conditions:
Gorlin syndrome. Also called: Basal cell nevus syndrome; Nevoid Basal Cell Carcinoma Syndrome. Identifiers: Orphanet 377, MedGen C0004779, MONDO:0007187.

Allele frequency attached by ClinVar (database versions not stated): gnomAD 0.00001.
gnomAD v4.1: 1 of 1,613,256 alleles (0.000062%); highest among the groups gnomAD compares: Admixed American, 0.0017%; no homozygotes.

Submission:

Labcorp Genetics (formerly Invitae), Labcorp
Classification: Uncertain significance for Gorlin syndrome. Last evaluated: 2022-08-16. Review status: criteria provided, single submitter. Criteria: Invitae Variant Classification Sherloc (09022015). Collection method: clinical testing. Allele origin: germline.
Comment: In summary, the available evidence is currently insufficient to determine the role of this variant in disease. Therefore, it has been classified as a Variant of Uncertain Significance. Advanced modeling of protein sequence and biophysical properties (such as structural, functional, and spatial information, amino acid conservation, physicochemical variation, residue mobility, and thermodynamic stability) performed at Invitae indicates that this missense variant is not expected to disrupt PTCH1 protein function. ClinVar contains an entry for this variant (Variation ID: 1057231). This variant has not been reported in the literature in individuals affected with PTCH1-related conditions. This variant is not present in population databases (gnomAD no frequency). This sequence change replaces alanine, which is neutral and non-polar, with serine, which is neutral and polar, at codon 113 of the PTCH1 protein (p.Ala113Ser).